The following is an entry in ClinVar:

ClinVar aggregate classification (germline): Uncertain significance (1 of 4 stars; one submission).

gnomAD v4.1: 1 of 1,585,272 alleles (0.000063%); highest among the groups gnomAD compares: East Asian, 0.0023%; no homozygotes.

Submission:

Labcorp Genetics (formerly Invitae), Labcorp
Classification: Uncertain significance. Last evaluated: 2021-10-20. Review status: criteria provided, single submitter. Criteria: Invitae Variant Classification Sherloc (09022015). Collection method: clinical testing. Allele origin: germline.
Comment: In summary, the available evidence is currently insufficient to determine the role of this variant in disease. Therefore, it has been classified as a Variant of Uncertain Significance. Advanced modeling of protein sequence and biophysical properties (such as structural, functional, and spatial information, amino acid conservation, physicochemical variation, residue mobility, and thermodynamic stability) performed at Invitae indicates that this missense variant is not expected to disrupt MYO7A protein function. This variant has not been reported in the literature in individuals affected with MYO7A-related conditions. This variant is not present in population databases (ExAC no frequency). This sequence change replaces arginine with lysine at codon 1691 of the MYO7A protein (p.Arg1691Lys). The arginine residue is moderately conserved and there is a small physicochemical difference between arginine and lysine.

NM_000260.4(MYO7A):c.5072G>A (p.Arg1691Lys)

Gene: MYO7A (myosin VIIA; plus strand). Cytogenetic location: 11q13.5.
Variant type: single nucleotide variant.
Coding change: c.5072G>A on transcript NM_000260.4 (MANE Select); coding-DNA position 5072, G replaced by A.
Protein change: p.Arg1691Lys; replaces arginine 1691 with lysine.
Molecular consequence: missense variant.
Genome position (GRCh38, 1-based): chr11:77,202,328, G>A. VCF-style: chr11-77202328-G-A. GRCh37 (hg19) VCF-style: chr11-76913373-G-A.
Other names: c.4958G>A, p.Arg1653Lys (NM_001127180.2); c.4925G>A, p.Arg1642Lys (NM_001369365.1); short protein forms R1653K, R1691K, R1642K.
Identifiers: ClinVar variation 1447438 (VCV001447438.6), dbSNP rs1957119932, ClinGen allele CA381951574.
Genomic context (GRCh38, chr11:77,202,328, plus strand): 5'-CTGACCTGAGCCCCCTGTCTCTTGGTCCCTAGGCCCTGGTCACCATGACTCCCGATCAGA[G>A]GCAGGACGTTGTCCGGCTCTTGCAGCTGCGAACGGCGGAGCCCGAGGTGCGTGCCAAGCC-3'
Protein context (NP_000251.3, residues 1681-1701): VALVTMTPDQ[Arg1691Lys]QDVVRLLQLR